The following continues an entry in ClinVar:

NM_000372.5(TYR):c.823G>T (p.Val275Phe)

Gene: TYR. ClinVar aggregate classification (germline): Pathogenic/Likely pathogenic. Pathogenic (15); Likely pathogenic (2).

Submissions 13 to 21 of 21:

Greenwood Genetic Center Diagnostic Laboratories, Greenwood Genetic Center
Classification: Likely pathogenic for Oculocutaneous albinism type 1B. Last evaluated: 2021-04-26. Review status: criteria provided, single submitter. Criteria: ACMG Guidelines, 2015. Collection method: clinical testing. Allele origin: germline. Affected: yes.
Comment: PP1, PP3, PS3_Moderate, PM3

Revvity Omics, Revvity
Classification: Pathogenic. Last evaluated: 2019-11-25. Review status: criteria provided, single submitter. Criteria: ACMG Guidelines, 2015. Collection method: clinical testing. Allele origin: germline.

Illumina Laboratory Services, Illumina
Classification: Pathogenic for Oculocutaneous albinism. Last evaluated: 2018-08-14. Review status: criteria provided, single submitter. Criteria: ICSL Variant Classification Criteria 09 May 2019. Collection method: clinical testing. Allele origin: germline.
Comment: The TYR c.823G>T (p.Val275Phe) missense variant has been reported in at least three studies in which it is found in a total of 23 individuals with a clinical diagnosis of oculocutaneous albinism type 1 (OCA1) (of whom 20 are related), in a compound heterozygous state with either missense or frameshift variants on the second allele. The p.Val275Phe variant has also been found in a heterozygous state in one additional individual with a clinical diagnosis of OCA1 (Giebel et al. 1991; King et al. 2003; Hutton and Spritz 2008). Of the 23 affected compound heterozygous individuals, 19 were affected with OCA type 1B, and four were affected with OCA type 1A. The p.Val275Phe variant was also identified in a heterozygous state in an unspecified number of unaffected family members of one of the probands from Giebel et al. (1991). Quantitative assay of tyrosinase in freshly epilated anagen hairbulbs from one of the probands in Giebel et al. (1991) showed low activity at approximately 6% of normal range, and another showed no detectable activity. The variant was absent from 30 typically-pigmented controls (Giebel et al. 1991) but is reported at a frequency of 0.000206 in the European (non-Finnish) population of the Genome Aggregation Database. Based on the collective evidence, the p.Val275Phe variant is classified as pathogenic for oculocutaneous albinism. This variant was observed by ICSL as part of a predisposition screen in an ostensibly healthy population.

Eurofins Ntd Llc (ga)
Classification: Pathogenic. Last evaluated: 2016-12-13. Review status: criteria provided, single submitter. Criteria: EGL Classification Definitions 2015. Collection method: clinical testing. Allele origin: germline. Observed: 2 variant alleles, 2 heterozygotes.

Genetic Services Laboratory, University of Chicago
Classification: Pathogenic for Albinism, oculocutaneous, type IA. Last evaluated: 2015-02-04. Review status: criteria provided, single submitter. Criteria: ACMG Guidelines, 2015. Collection method: clinical testing. Allele origin: germline. Affected: yes.

OMIM
Classification: Pathogenic for ALBINISM, OCULOCUTANEOUS, TYPE IB. Last evaluated: 2020-02-03. Review status: no assertion criteria provided. Collection method: literature only. Allele origin: germline. Not counted in ClinVar's aggregate classification.

Department of Pathology and Laboratory Medicine, Sinai Health System
Classification: Pathogenic. Review status: no assertion criteria provided. Collection method: clinical testing. Allele origin: unknown. Affected: yes. Study: The Canadian Open Genetics Repository (COGR). Not counted in ClinVar's aggregate classification.
Comment: The TYR p.V275F variant was identified in 1 homozygous and 14 compound heterozygous individuals with oculocutaneous albinism (Hutton_2008_PMID:18463683; Camand_2001_PMID:11295837; Giebel_1991_PMID:1903591). The variant was identified in dbSNP (ID: rs104894314) and ClinVar (classified as pathogenic by EGL Genetic Diagnostics, GeneDx, Illumina and Genetic Services Laboratory, University of Chicago, and as likely pathogenic by Fulgent Genetics). The variant was identified in control databases in 28 of 282378 chromosomes at a frequency of 0.00009916 (Genome Aggregation Database March 6, 2019, v2.1.1). The variant was observed in the European (non-Finnish) population in 28 of 128916 chromosomes (freq: 0.000217), but was not observed in the African, Latino, Ashkenazi Jewish, East Asian, European (Finnish), Other, or South Asian populations. Although the p.V275 residue is not conserved in mammals and other organisms, four of five computational analyses (PolyPhen-2, SIFT, AlignGVGD, BLOSUM, MutationTaster) suggest that the variant may impact the protein. The variant occurs outside of the splicing consensus sequence and in silico or computational prediction software programs (SpliceSiteFinder, MaxEntScan, NNSPLICE, GeneSplicer) do not predict a difference in splicing. In summary, based on the above information this variant meets our laboratoryâ€šÃ„Ã´s criteria to be classified as pathogenic.

Genomics England Pilot Project, Genomics England
Classification: Likely pathogenic for SKIN/HAIR/EYE PIGMENTATION 3, LIGHT/DARK SKIN. Review status: no assertion criteria provided. Criteria: ACGS Guidelines, 2016. Collection method: clinical testing. Allele origin: germline. Affected: yes. Not counted in ClinVar's aggregate classification.

Retina International
No classification provided. Review status: no classification provided. Collection method: not provided. Allele origin: unknown. Not counted in ClinVar's aggregate classification.

Literature cited by the submitters: PubMed 1903591 (cited by 6 submitters); PubMed 29345414 (cited by 3 submitters); PubMed 18463683 (cited by 4 submitters); PubMed 13680365 (cited by 3 submitters); PubMed 11295837 (cited by Eurofins Ntd Llc (ga)).